The following is an entry in ClinVar:

ClinVar aggregate classification (germline): Conflicting classifications of pathogenicity. Review status: criteria provided, conflicting classifications (1 of 4 stars). 12 submissions from 12 submitters: Uncertain significance (2); Likely benign (8). 2 of the submissions do not count toward it. Last evaluated 2026-02-10.

Conditions:
Breast-ovarian cancer, familial, susceptibility to, 1 (BROVCA1). Also called: BRCA1 Hereditary Breast and Ovarian Cancer; OVARIAN CANCER, SUSCEPTIBILITY TO. Identifiers: Orphanet 145, MedGen C2676676, MONDO:0011450, OMIM 604370. Disease mechanism: loss of function.
BRCA1-related disorder. Also called: BRCA1-related condition.
Hereditary cancer-predisposing syndrome. Also called: Hereditary Cancer Syndrome; Hereditary neoplastic syndrome; Neoplastic Syndromes, Hereditary; Tumor predisposition. Identifiers: Orphanet 140162, MedGen C0027672, MeSH D009386, MONDO:0015356.
Hereditary breast ovarian cancer syndrome. Also called: BRCA1- and BRCA2-Associated Hereditary Breast and Ovarian Cancer; Hereditary breast and ovarian cancer syndrome; Hereditary breast and ovarian cancer syndrome (HBOC); Breast and ovarian cancer; Hereditary breast and/or ovarian cancer syndrome; Hereditary breast and ovarian cancer. Identifiers: Orphanet 145, MedGen C0677776, MeSH D061325, MONDO:0003582. Disease mechanism: loss of function.

Allele frequency attached by ClinVar (database versions not stated): TOPMed 0.00003; gnomAD 0.00001; gnomAD exomes 0.00001.
gnomAD v4.1: 16 of 1,613,880 alleles (0.00099%); highest among the groups gnomAD compares: African/African-American, 0.021%; no homozygotes.

Submissions (12):

Women's Health and Genetics/Laboratory Corporation of America, LabCorp
Classification: Likely benign. Last evaluated: 2026-02-10. Review status: criteria provided, single submitter. Criteria: LabCorp Variant Classification Summary - May 2015. Collection method: clinical testing. Allele origin: germline.
Comment: Variant summary: BRCA1 c.1609A>G (p.Asn537Asp) results in a conservative amino acid change in the encoded protein sequence. Algorithms developed to predict the effect of missense changes on protein structure and function all suggest that this variant is likely to be tolerated. The variant allele was found at a frequency of 1e-05 in 1606884 control chromosomes, predominantly at a frequency of 0.00021 within the African or African-American subpopulation in the gnomAD database. The variant, c.1609A>G, has been observed in individual(s) affected with breast cancer (e.g. Borg_2010, Hercules_2022), however no supportive evidence for causality was provided. These report(s) do not provide unequivocal conclusions about association of the variant with Hereditary Breast And Ovarian Cancer Syndrome. To our knowledge, no experimental evidence demonstrating an impact on protein function has been reported. However, sequence comparison with other vertebrate species indicates that the variant is located to a moderately conserved region, and the Asn to Asp substitution at this codon is phylogenetically not constrained (e.g. PMID 29358731). The following publications have been ascertained in the context of this evaluation (PMID: 20104584, 21520273, 35384527, 30212499). ClinVar contains an entry for this variant (Variation ID: 91558). Based on the evidence outlined above, the variant was classified as likely benign.

Labcorp Genetics (formerly Invitae), Labcorp
Classification: Likely benign for Hereditary breast ovarian cancer syndrome. Last evaluated: 2026-01-14. Review status: criteria provided, single submitter. Criteria: Invitae Variant Classification Sherloc (09022015). Collection method: clinical testing. Allele origin: germline.

PreventionGenetics, part of Exact Sciences
Classification: Likely benign for BRCA1-related condition. Last evaluated: 2025-07-14. Review status: criteria provided, single submitter. Criteria: ACMG Guidelines, 2015. Collection method: clinical testing. Allele origin: germline.
Comment: This variant is classified as likely benign based on ACMG/AMP sequence variant interpretation guidelines (Richards et al. 2015 PMID: 25741868, with internal and published modifications).

Quest Diagnostics Nichols Institute San Juan Capistrano
Classification: Uncertain significance. Last evaluated: 2025-03-04. Review status: criteria provided, single submitter. Criteria: Quest Diagnostics criteria. Collection method: clinical testing. Allele origin: unknown.
Comment: The BRCA1 c.1609A>G (p.Asn537Asp) variant has been reported in the published literature in individuals affected with breast cancer (PMIDs: 35384527 (2022), 20104584 (2010)). Additionally, the variant has been reported to be located in a region of the BRCA1 gene that is tolerant to missense sequence changes (PMID: 31911673 (2020)). The frequency of this variant in the general population (Genome Aggregation Database) is uninformative in the assessment of its pathogenicity. Analysis of this variant using bioinformatics tools for the prediction of the effect of amino acid changes on protein structure and function yielded predictions that this variant is benign. Based on the available information, we are unable to determine the clinical significance of this variant.

All of Us Research Program, National Institutes of Health
Classification: Likely benign for Breast-ovarian cancer, familial, susceptibility to, 1. Last evaluated: 2023-12-13. Review status: criteria provided, single submitter. Criteria: ACMG Guidelines, 2015. Collection method: clinical testing. Allele origin: germline. Inheritance: Autosomal dominant inheritance. Observed: 2 variant alleles, 2 heterozygotes.
Comment: This study involves interpretation of variants in research participants for the purpose of population health screening. Participant phenotype was not available at the time of variant classification. Additional details can be found in publication PMID: 35346344, PMCID: PMC8962531

University of Washington Department of Laboratory Medicine, University of Washington
Classification: Likely benign for Hereditary cancer-predisposing syndrome. Last evaluated: 2023-03-23. Review status: criteria provided, single submitter. Criteria: Dines et al. (Genet Med. 2020). Collection method: curation. Allele origin: germline.
Comment: Missense variant in a coldspot region where missense variants are very unlikely to be pathogenic (PMID:31911673).

BRCA1 coldspot (exon 11 using historical exon numbering). Reclassification based on statistical prior probability

Sema4
Classification: Uncertain significance for Hereditary cancer-predisposing syndrome. Last evaluated: 2021-10-29. Review status: criteria provided, single submitter. Criteria: Sema4 Curation Guidelines. Collection method: curation. Allele origin: germline.
Comment: The BRCA1 c.1609A>G (p.N537D) variant has been reported in heterozygosity in at least one individual with unilateral breast cancer (PMID: 21520273). This variant was observed in 2/16234 chromosomes in the African/African American population, according to the Genome Aggregation Database (PMID: 32461654). This variant has been reported in ClinVar (Variation ID 91558). Functional studies have not been performed, and in silico predictions of the variant's effect on protein function are inconclusive. Based on the current evidence available, this variant is interpreted as a variant of uncertain significance.

Ambry Genetics
Classification: Likely benign for Hereditary cancer-predisposing syndrome. Last evaluated: 2019-02-26. Review status: criteria provided, single submitter. Criteria: Ambry Variant Classification Scheme 2023. Collection method: clinical testing. Allele origin: germline.

GeneDx
Classification: Likely benign. Last evaluated: 2017-11-09. Review status: criteria provided, single submitter. Criteria: GeneDx Variant Classification (06012015). Collection method: clinical testing. Allele origin: germline. Affected: yes.
Comment: This variant is considered likely benign or benign based on one or more of the following criteria: it is a conservative change, it occurs at a poorly conserved position in the protein, it is predicted to be benign by multiple in silico algorithms, and/or has population frequency not consistent with disease.

Color Diagnostics, LLC DBA Color Health
Classification: Likely benign for Hereditary cancer-predisposing syndrome. Last evaluated: 2017-11-03. Review status: criteria provided, single submitter. Criteria: ACMG Guidelines, 2015. Collection method: clinical testing. Allele origin: germline.

Counsyl
Classification: Uncertain significance for Breast-ovarian cancer, familial, susceptibility to, 1. Last evaluated: 2017-08-04. Review status: no assertion criteria provided. Collection method: clinical testing. Allele origin: unknown. Not counted in ClinVar's aggregate classification.

Sharing Clinical Reports Project (SCRP)
Classification: Benign for Breast-ovarian cancer, familial 1. Last evaluated: 2008-11-11. Review status: no assertion criteria provided. Collection method: clinical testing. Allele origin: germline. Not counted in ClinVar's aggregate classification.

Literature cited by the submitters: PubMed 20104584 (cited by 4 submitters); PubMed 21520273 (cited by Women's Health and Genetics/Laboratory Corporation of America, LabCorp and Sema4); PubMed 30212499 (cited by Women's Health and Genetics/Laboratory Corporation of America, LabCorp and Quest Diagnostics Nichols Institute San Juan Capistrano); PubMed 35384527 (cited by Women's Health and Genetics/Laboratory Corporation of America, LabCorp and Quest Diagnostics Nichols Institute San Juan Capistrano); PubMed 31911673 (cited by Quest Diagnostics Nichols Institute San Juan Capistrano).

NM_007294.4(BRCA1):c.1609A>G (p.Asn537Asp)

Gene: BRCA1 (BRCA1 DNA repair associated; minus strand). Cytogenetic location: 17q21.31.
Variant type: single nucleotide variant.
Coding change: c.1609A>G on transcript NM_007294.4 (MANE Select); coding-DNA position 1609, A replaced by G.
Protein change: p.Asn537Asp; replaces asparagine 537 with aspartic acid.
Molecular consequence: missense variant. On other transcripts: intron variant (137).
Genome position (GRCh38, 1-based): chr17:43,093,922, T>C on the plus strand (A>G on the coding strand, the complement: BRCA1 is on the minus strand). VCF-style: chr17-43093922-T-C. GRCh37 (hg19) VCF-style: chr17-41245939-T-C.
Other names: 1728A>G; c.1606A>G, p.Asn536Asp (NM_001407628.1, NM_001407629.1, NM_001407630.1 and 22 more transcripts); c.1609A>G, p.Asn537Asp (NM_001407642.1, NM_001407652.1, NM_001407684.1 and 30 more transcripts); c.1600A>G, p.Asn534Asp (NM_001407646.1, NM_001407647.1); c.1486A>G, p.Asn496Asp (NM_001407648.1, NM_001407664.1, NM_001407665.1 and 19 more transcripts); c.1483A>G, p.Asn495Asp (NM_001407649.1, NM_001407670.1, NM_001407671.1 and 11 more transcripts); c.1531A>G, p.Asn511Asp (NM_001407653.1, NM_001407654.1, NM_001407655.1 and 4 more transcripts); c.1468A>G, p.Asn490Asp (NM_001407728.1, NM_001407729.1, NM_001407730.1 and 29 more transcripts); and 41 more; short protein forms N537D, N490D, N448D, N467D, N470D, N496D, N510D, N511D.
Identifiers: ClinVar variation 91558 (VCV000091558.35), dbSNP rs398122639, ClinGen allele CA001067.